The following is an entry in ClinVar:

ClinVar aggregate classification (germline): Uncertain significance. Review status: criteria provided, multiple submitters, no conflicts (2 of 4 stars). 3 submissions from 3 submitters: Uncertain significance (3). Last evaluated 2024-11-16.

Conditions:
Hereditary cancer-predisposing syndrome. Also called: Neoplastic Syndromes, Hereditary; Hereditary neoplastic syndrome; Hereditary Cancer Syndrome; Tumor predisposition. Identifiers: Orphanet 140162, MedGen C0027672, MeSH D009386, MONDO:0015356.
Familial cancer of breast. Also called: Hereditary breast cancer; BREAST CANCER, FAMILIAL; hereditary breast carcinoma. Identifiers: Orphanet 227535, MedGen C0346153, MONDO:0016419, OMIM 114480. Disease mechanism: loss of function.
Fanconi anemia complementation group J. Also called: BRIP1-Related Fanconi Anemia. Identifiers: Orphanet 84, MedGen C1836860, MONDO:0012187, OMIM 609054.

Submissions (3):

Ambry Genetics
Classification: Uncertain significance for Hereditary cancer-predisposing syndrome. Last evaluated: 2024-11-16. Review status: criteria provided, single submitter. Criteria: Ambry Variant Classification Scheme 2023. Collection method: clinical testing. Allele origin: germline.
Comment: The p.A334G variant (also known as c.1001C>G), located in coding exon 7 of the BRIP1 gene, results from a C to G substitution at nucleotide position 1001. The alanine at codon 334 is replaced by glycine, an amino acid with similar properties. This amino acid position is conserved. In addition, the in silico prediction for this alteration is inconclusive. Based on the available evidence, the clinical significance of this variant remains unclear.

Baylor Genetics
Classification: Uncertain significance for Familial cancer of breast. Last evaluated: 2023-05-30. Review status: criteria provided, single submitter. Criteria: ACMG Guidelines, 2015. Collection method: clinical testing. Allele origin: unknown.

Labcorp Genetics (formerly Invitae), Labcorp
Classification: Uncertain significance for Familial cancer of breast; Fanconi anemia complementation group J. Last evaluated: 2022-05-27. Review status: criteria provided, single submitter. Criteria: Invitae Variant Classification Sherloc (09022015). Collection method: clinical testing. Allele origin: germline.
Comment: In summary, the available evidence is currently insufficient to determine the role of this variant in disease. Therefore, it has been classified as a Variant of Uncertain Significance. Algorithms developed to predict the effect of missense changes on protein structure and function are either unavailable or do not agree on the potential impact of this missense change (SIFT: "Deleterious"; PolyPhen-2: "Probably Damaging"; Align-GVGD: "Class C0"). This variant has not been reported in the literature in individuals affected with BRIP1-related conditions. This variant is not present in population databases (gnomAD no frequency). This sequence change replaces alanine, which is neutral and non-polar, with glycine, which is neutral and non-polar, at codon 334 of the BRIP1 protein (p.Ala334Gly).

NM_032043.3(BRIP1):c.1001C>G (p.Ala334Gly)

Gene: BRIP1 (BRCA1 interacting DNA helicase 1; minus strand). Cytogenetic location: 17q23.2.
Variant type: single nucleotide variant.
Coding change: c.1001C>G on transcript NM_032043.3 (MANE Select); coding-DNA position 1001, C replaced by G.
Protein change: p.Ala334Gly; replaces alanine 334 with glycine.
Molecular consequence: missense variant.
Genome position (GRCh38, 1-based): chr17:61,801,392, G>C on the plus strand (C>G on the coding strand, the complement: BRIP1 is on the minus strand). VCF-style: chr17-61801392-G-C. GRCh37 (hg19) VCF-style: chr17-59878753-G-C.
Other names: short protein forms A334G.
Identifiers: ClinVar variation 2163859 (VCV002163859.4), dbSNP rs2145338557, ClinGen allele CA400484141.